The following is an entry in ClinVar:

ClinVar aggregate classification (germline): Pathogenic (1 of 4 stars; one submission).

Conditions:
Polycystic kidney disease, adult type (PKD1). Also called: Polycystic Kidney, Autosomal Dominant; POLYCYSTIC KIDNEY DISEASE, ADULT, TYPE I; Polycystic Kidney Disease 1, Autosomal Dominant; Polycystic kidney disease 1; Polycystic kidney disease 1, severe; POLYCYSTIC KIDNEY DISEASE 1 WITH OR WITHOUT POLYCYSTIC LIVER DISEASE. Identifiers: MedGen C3149841, MONDO:0008263, OMIM 173900.

Submission:

Victorian Clinical Genetics Services, Murdoch Childrens Research Institute
Classification: Pathogenic for Polycystic kidney disease, adult type. Last evaluated: 2024-12-17. Review status: criteria provided, single submitter. Criteria: ACMG Guidelines, 2015. Collection method: clinical testing. Allele origin: germline.
Comment: This variant is classified as Pathogenic. Evidence in support of pathogenic classification: Variant is predicted to cause nonsense-mediated decay (NMD) and loss of protein (premature termination codon is located at least 54 nucleotides upstream of the final exon-exon junction); Variant is absent from gnomAD (v2, v3 and v4); Other NMD-predicted variant(s) comparable to the one identified in this case have very strong previous evidence for pathogenicity (DECIPHER). Additional information: This gene is associated with autosomal dominant disease. Polycystic kidney disease 1 (MIM#173900) is predominantly caused by monoallelic variants, with rare reports of biallelic variants causing disease (OMIM).

NM_001009944.3(PKD1):c.3914_3923del (p.Ile1305fs)

Gene: PKD1 (polycystin 1, transient receptor potential channel interacting; minus strand). Cytogenetic location: 16p13.3.
Variant type: Deletion.
Coding change: c.3914_3923del on transcript NM_001009944.3 (MANE Select); coding-DNA positions 3914 to 3923, 10 bases deleted (TCCCCACGCA; older notation c.3914_3923delTCCCCACGCA).
Protein change: p.Ile1305fs; shifts the reading frame from isoleucine 1305.
Molecular consequence: frameshift variant.
Genome position (GRCh38, 1-based): chr16:2,111,244-2,111,253, TGCGTGGGGA deleted on the plus strand (TCCCCACGCA on the coding strand, the reverse complement: PKD1 is on the minus strand); deleting any 10 consecutive bases within chr16:2,111,244-2,111,256 gives the same sequence; the c. name uses the placement nearest the transcript's 3' end. VCF-style (leftmost placement, unchanged base first): chr16-2111243-CTGCGTGGGGA-C. GRCh37 (hg19) VCF-style: chr16-2161244-CTGCGTGGGGA-C.
Other names: c.3914_3923del, p.Ile1305fs (NM_000296.4); short protein forms I1305fs.
Identifiers: ClinVar variation 4531572 (VCV004531572.1).